The following is an entry in ClinVar:

ClinVar aggregate classification (germline): Uncertain significance (1 of 4 stars; one submission).

Conditions:
SH2B1-related disorder. Also called: SH2B1-related condition.

Submission:

PreventionGenetics, part of Exact Sciences
Classification: Uncertain significance for SH2B1-related condition. Last evaluated: 2025-04-17. Review status: criteria provided, single submitter. Criteria: ACMG Guidelines, 2015. Collection method: clinical testing. Allele origin: germline.
Comment: The SH2B1 c.1991_1993dupCAG variant is predicted to result in an in-frame duplication (p.Pro664_Glu665insAla). To our knowledge, this variant has not been reported in the literature or in a large population database (gnomAD), indicating this variant is rare. At this time, the clinical significance of this variant is uncertain due to the absence of conclusive functional and genetic evidence.

NM_001387430.1(SH2B1):c.1991_1993dup (p.Pro664_Glu665insAla)

Gene: SH2B1 (SH2B adaptor protein 1; plus strand). Cytogenetic location: 16p11.2.
Variant type: Duplication.
Coding change: c.1991_1993dup on transcript NM_001387430.1 (MANE Select); coding-DNA positions 1991 to 1993, 3 bases duplicated (CAG; older notation c.1991_1993dupCAG).
Protein change: p.Pro664_Glu665insAla.
Molecular consequence: inframe insertion. On other transcripts: 3 prime UTR variant (5).
Genome position (GRCh38, 1-based): chr16:28,873,540-28,873,542, CAG duplicated. VCF-style (leftmost placement, unchanged base first): chr16-28873539-C-CCAG. GRCh37 (hg19) VCF-style: chr16-28884860-C-CCAG.
Other names: c.1991_1993dup, p.Pro664_Glu665insAla (NM_001145795.2, NM_001308293.2, NM_001387404.1); c.*75_*77dup (NM_001145796.2, NM_001145812.2, NM_001308294.2 and 1 more transcripts); c.*92_*94dup (NM_001145797.2).
Identifiers: ClinVar variation 4985016 (VCV004985016.1).
Genomic context (GRCh38, chr16:28,873,539, plus strand): 5'-CCTGAACCCCCTTCATGGACAGATCCCCCACAGCCTGGGGCAGAAGAGGCGTCGAGGGCG[C>CCAG]CAGAAGTGGCGGCAGCAGCAGCCGCAGCAGCCAAAGAGAGGCAAGAGAAAGAGAAAGCGG-3'